The following is an entry in ClinVar:

ClinVar aggregate classification (germline): Uncertain significance. Review status: criteria provided, multiple submitters, no conflicts (2 of 4 stars). 2 submissions from 2 submitters: Uncertain significance (2). Last evaluated 2024-07-02.

Conditions:
Inborn genetic diseases. Identifiers: MedGen C0950123, MeSH D030342.

Allele frequency attached by ClinVar (database versions not stated): gnomAD exomes below 0.00001; gnomAD 0.00003; TOPMed 0.00007; 1000 Genomes Project 30x 0.00016.
gnomAD v4.1: 13 of 1,614,190 alleles (0.00081%); highest among the groups gnomAD compares: African/African-American, 0.015%; no homozygotes.

Submissions (2):

Ambry Genetics
Classification: Uncertain significance for Inborn genetic diseases. Last evaluated: 2024-07-02. Review status: criteria provided, single submitter. Criteria: Ambry Variant Classification Scheme 2023. Collection method: clinical testing. Allele origin: germline.

Labcorp Genetics (formerly Invitae), Labcorp
Classification: Uncertain significance. Last evaluated: 2022-12-22. Review status: criteria provided, single submitter. Criteria: Invitae Variant Classification Sherloc (09022015). Collection method: clinical testing. Allele origin: germline.
Comment: In summary, the available evidence is currently insufficient to determine the role of this variant in disease. Therefore, it has been classified as a Variant of Uncertain Significance. Algorithms developed to predict the effect of missense changes on protein structure and function are either unavailable or do not agree on the potential impact of this missense change (SIFT: "Tolerated"; PolyPhen-2: "Probably Damaging"; Align-GVGD: "Class C0"). This variant has not been reported in the literature in individuals affected with MACF1-related conditions. This variant is not present in population databases (gnomAD no frequency). This sequence change replaces glutamine, which is neutral and polar, with lysine, which is basic and polar, at codon 4786 of the MACF1 protein (p.Gln4786Lys).

NM_001394062.1(MACF1):c.20533C>A (p.Gln6845Lys)

Gene: MACF1 (microtubule actin crosslinking factor 1; plus strand). Cytogenetic location: 1p34.3.
Variant type: single nucleotide variant.
Coding change: c.20533C>A on transcript NM_001394062.1 (MANE Select); coding-DNA position 20533, C replaced by A.
Protein change: p.Gln6845Lys; replaces glutamine 6845 with lysine.
Molecular consequence: missense variant.
Genome position (GRCh38, 1-based): chr1:39,452,270, C>A. VCF-style: chr1-39452270-C-A. GRCh37 (hg19) VCF-style: chr1-39917942-C-A.
Other names: c.8611C>A, p.Gln2871Lys (NM_001397473.1); c.14356C>A, p.Gln4786Lys (NM_012090.5); c.14356C>A (NM_012090.4); short protein forms Q6845K, Q2871K, Q4786K.
Identifiers: ClinVar variation 2902998 (VCV002902998.4), dbSNP rs998724782, ClinGen allele CA20955132.